The following is an entry in ClinVar:

NM_000169.3(GLA):c.466G>A (p.Ala156Thr)

Genes: GLA (galactosidase alpha; minus strand), RPL36A-HNRNPH2 (RPL36A-HNRNPH2 readthrough; plus strand). Cytogenetic location: Xq22.1.
Variant type: single nucleotide variant.
Coding change: c.466G>A on transcript NM_000169.3 (MANE Select); coding-DNA position 466, G replaced by A.
Protein change: p.Ala156Thr; replaces alanine 156 with threonine.
Molecular consequence: missense variant. On other transcripts: non-coding transcript variant (3), intron variant (2).
Genome position (GRCh38, 1-based): chrX:101,401,713, C>T on the plus strand (G>A on the coding strand, the complement: GLA is on the minus strand). VCF-style: chrX-101401713-C-T. GRCh37 (hg19) VCF-style: chrX-100656701-C-T.
Other names: c.589G>A, p.Ala197Thr (NM_001406747.1, NM_001406749.1); c.466G>A, p.Ala156Thr (NM_001406748.1); c.300+6256C>T (NM_001199973.2); c.177+9891C>T (NM_001199974.2); short protein forms A156T, A197T.
Identifiers: ClinVar variation 10727 (VCV000010727.5), dbSNP rs28935195, ClinGen allele CA021734.

ClinVar aggregate classification (germline): Pathogenic/Likely pathogenic. Review status: criteria provided, multiple submitters, no conflicts (2 of 4 stars). 3 submissions from 3 submitters: Pathogenic (1); Likely pathogenic (1). 1 of the submissions does not count toward it. Last evaluated 2026-09-08.

Conditions:
Fabry disease. Also called: Ceramide trihexosidosis; Fabry's disease; CERAMIDE TRIHEXOSIDASE DEFICIENCY; GLA DEFICIENCY; HEREDITARY DYSTOPIC LIPIDOSIS; ALPHA-GALACTOSIDASE A DEFICIENCY. Identifiers: Orphanet 324, MedGen C0002986, MONDO:0010526, OMIM 301500, HP:0001071. Disease mechanism: Fabry disease is due to inactivating mutations in the X-linked GLA gene resulting in deficiency of the enzyme Alpha Galactosidase-A., loss of function.

Submissions (3):

Genomenon, Inc
Classification: Pathogenic for Fabry disease. Last evaluated: 2026-09-08. Review status: criteria provided, single submitter. Criteria: Genomenon Sequence Variant Interpretation Standards - Updated. Collection method: curation. Allele origin: germline. Affected: yes.
Comment: GLA p.Ala156Thr (c.466G>A) is a missense variant that changes the amino acid at codon 156 from Alanine to Threonine. This variant has been observed in at least one proband with clinical features consistent with Fabry disease (PMID:27834756;27657681;36383556;20498269;25319043;39595144;26018987;28756410;7599642;30594474). The variant was found to segregate with disease in at least one affected family (PMID:36383556). At least one functional study has demonstrated a substantial alteration in protein function relative to the wild-type (PMID:30723321;27657681). It is absent or not present at a significant frequency in gnomAD. In silico models predict that this variant is possibly or probably damaging. In conclusion, we classify GLA p.Ala156Thr (c.466G>A) as a pathogenic variant.

Revvity Omics, Revvity
Classification: Likely pathogenic. Last evaluated: 2025-02-21. Review status: criteria provided, single submitter. Criteria: ACMG Guidelines, 2015. Collection method: clinical testing. Allele origin: germline.

OMIM
Classification: Pathogenic for FABRY DISEASE. Last evaluated: 2016-10-17. Review status: no assertion criteria provided. Collection method: literature only. Allele origin: germline. Not counted in ClinVar's aggregate classification.

Literature cited by the submitters: PubMed 27834756 (cited by Genomenon, Inc); PubMed 27657681 (cited by Genomenon, Inc); PubMed 36383556 (cited by Genomenon, Inc); PubMed 20498269 (cited by Genomenon, Inc); PubMed 25319043 (cited by Genomenon, Inc); PubMed 39595144 (cited by Genomenon, Inc); PubMed 26018987 (cited by Genomenon, Inc); PubMed 28756410 (cited by Genomenon, Inc); PubMed 7599642 (cited by Genomenon, Inc); PubMed 30594474 (cited by Genomenon, Inc); PubMed 30723321 (cited by Genomenon, Inc); Madsen, K. M., Hasholt, L., Fermer, M. L., Dahl, N. Identification of mutations in Danish families with Fabry's disease. Proc. 2nd Int. Duodecim Symposium. Molecular Biology of Lysosomal Disease, Majik, Finland 1993. (cited by OMIM).